The following is an entry in ClinVar:

ClinVar aggregate classification (germline): Benign/Likely benign. Review status: criteria provided, multiple submitters, no conflicts (2 of 4 stars). 3 submissions from 3 submitters: Benign (1); Likely benign (2). Last evaluated 2026-01-12.

Conditions:
Hereditary cancer-predisposing syndrome. Also called: Neoplastic Syndromes, Hereditary; Hereditary Cancer Syndrome; Hereditary neoplastic syndrome; Tumor predisposition. Identifiers: Orphanet 140162, MedGen C0027672, MeSH D009386, MONDO:0015356.
Pheochromocytoma/paraganglioma syndrome 5. Also called: Paragangliomas 5; SDHA-Related Hereditary Paraganglioma-Pheochromocytoma Syndrome. Identifiers: Orphanet 29072, MedGen C3279992, MONDO:0013602, OMIM 614165.
Mitochondrial complex II deficiency, nuclear type 1. Also called: SUCCINATE CoQ REDUCTASE DEFICIENCY. Identifiers: Orphanet 3208, MedGen C5700310, MONDO:0100294, OMIM 252011.

Allele frequency attached by ClinVar (database versions not stated): ESP Exome Variant Server 0.00008.
gnomAD v4.1: 3 of 1,612,872 alleles (0.00019%); highest among the groups gnomAD compares: Non-Finnish European, 0.00025%; no homozygotes.

Submissions (3):

Labcorp Genetics (formerly Invitae), Labcorp
Classification: Likely benign for Pheochromocytoma/paraganglioma syndrome 5; Mitochondrial complex II deficiency, nuclear type 1. Last evaluated: 2026-01-12. Review status: criteria provided, single submitter. Criteria: Invitae Variant Classification Sherloc (09022015). Collection method: clinical testing. Allele origin: germline.

Myriad Genetics, Inc.
Classification: Benign for Pheochromocytoma/paraganglioma syndrome 5. Last evaluated: 2025-02-28. Review status: criteria provided, single submitter. Criteria: Myriad Autosomal Dominant, Autosomal Recessive and X-Linked Classification Criteria (2023). Collection method: clinical testing. Allele origin: unknown.
Comment: This variant is considered benign. This variant is a silent/synonymous amino acid change and it is not expected to impact splicing.

Ambry Genetics
Classification: Likely benign for Hereditary cancer-predisposing syndrome. Last evaluated: 2021-10-07. Review status: criteria provided, single submitter. Criteria: Ambry Variant Classification Scheme 2023. Collection method: clinical testing. Allele origin: germline.

NM_004168.4(SDHA):c.336G>C (p.Gly112=)

Gene: SDHA (succinate dehydrogenase complex flavoprotein subunit A; plus strand). Cytogenetic location: 5p15.33.
Variant type: single nucleotide variant.
Coding change: c.336G>C on transcript NM_004168.4 (MANE Select); coding-DNA position 336, G replaced by C.
Protein change: p.Gly112=; no amino-acid change (glycine 112 retained).
Molecular consequence: synonymous variant. On other transcripts: intron variant (1).
Genome position (GRCh38, 1-based): chr5:225,442, G>C. VCF-style: chr5-225442-G-C. GRCh37 (hg19) VCF-style: chr5-225557-G-C.
Other names: c.336G>C, p.Gly112= (NM_001330758.2); c.313-441G>C (NM_001294332.2).
Identifiers: ClinVar variation 472383 (VCV000472383.14), dbSNP rs375645919, ClinGen allele CA112815542.